The following is an entry in ClinVar:

NM_000064.4(C3):c.3299T>C (p.Leu1100Pro)

Gene: C3 (complement C3; minus strand). Cytogenetic location: 19p13.3.
Variant type: single nucleotide variant.
Coding change: c.3299T>C on transcript NM_000064.4 (MANE Select); coding-DNA position 3299, T replaced by C.
Protein change: p.Leu1100Pro; replaces leucine 1100 with proline.
Molecular consequence: missense variant.
Genome position (GRCh38, 1-based): chr19:6,693,015, A>G on the plus strand (T>C on the coding strand, the complement: C3 is on the minus strand). VCF-style: chr19-6693015-A-G. GRCh37 (hg19) VCF-style: chr19-6693026-A-G.
Other names: p.Leu1100Pro; c.3299T>C (LRG_27t1); short protein forms L1100P.
Identifiers: ClinVar variation 330293 (VCV000330293.15), dbSNP rs750654763, ClinGen allele CA9128779.

ClinVar aggregate classification (germline): Uncertain significance. Review status: criteria provided, multiple submitters, no conflicts (2 of 4 stars). 7 submissions from 5 submitters: Uncertain significance (7). Last evaluated 2025-09-30.

Conditions:
Complement component 3 deficiency. Identifiers: Orphanet 280133, MedGen C3151071, MONDO:0013417, OMIM 613779.
Atypical hemolytic-uremic syndrome. Identifiers: Orphanet 2134, MedGen C2931788, MONDO:0016244.
C3 glomerulonephritis. Also called: Nephropathy due to CFHR5 Deficiency; C3 GLOMERULOPATHY 3. Identifiers: Orphanet 329931, MedGen C4055342, MONDO:0013892, OMIM 614809.
Age related macular degeneration 9. Identifiers: MedGen C1969651, MONDO:0012659, OMIM 611378.
Atypical hemolytic-uremic syndrome with C3 anomaly. Also called: AHUS, SUSCEPTIBILITY TO, 5. Identifiers: Orphanet 2134, MedGen C2752037, MONDO:0013043, OMIM 612925.

Allele frequency attached by ClinVar (database versions not stated): ExAC 0.00001; gnomAD exomes 0.00002 and 0.00009; gnomAD 0.00003 and 0.00004; TOPMed 0.00003.

Submissions (7):

Genomenon, Inc
Classification: Uncertain significance for Complement component 3 deficiency; C3 glomerulonephritis; Atypical hemolytic-uremic syndrome. Last evaluated: 2025-09-30. Review status: criteria provided, single submitter. Criteria: Genomenon Sequence Variant Interpretation Standards. Collection method: curation. Allele origin: germline. Affected: no.
Comment: C3 p.Leu1100Pro (c.3299T>C) is a missense variant that changes the amino acid at residue 1100 from Leucine to Proline. This variant has been reported in the published literature (PMID:26283675;35373096). It is absent or not present at a significant frequency in gnomAD. In silico models agree that this variant is possibly or probably damaging. In conclusion, we classify C3 p.Leu1100Pro (c.3299T>C) as a variant of unknown significance.

Labcorp Genetics (formerly Invitae), Labcorp
Classification: Uncertain significance. Last evaluated: 2025-08-11. Review status: criteria provided, single submitter. Criteria: Invitae Variant Classification Sherloc (09022015). Collection method: clinical testing. Allele origin: germline.
Comment: This sequence change replaces leucine, which is neutral and non-polar, with proline, which is neutral and non-polar, at codon 1100 of the C3 protein (p.Leu1100Pro). This variant is present in population databases (rs750654763, gnomAD 0.004%). This missense change has been observed in individual(s) with C3-related disease (PMID: 26283675). ClinVar contains an entry for this variant (Variation ID: 330293). Invitae Evidence Modeling of protein sequence and biophysical properties (such as structural, functional, and spatial information, amino acid conservation, physicochemical variation, residue mobility, and thermodynamic stability) has been performed for this missense variant. However, the output from this modeling did not meet the statistical confidence thresholds required to predict the impact of this variant on C3 protein function. In summary, the available evidence is currently insufficient to determine the role of this variant in disease. Therefore, it has been classified as a Variant of Uncertain Significance.

Blueprint Genetics
Classification: Uncertain significance. Last evaluated: 2024-10-11. Review status: criteria provided, single submitter. Criteria: ACMG Guidelines, 2015. Collection method: clinical testing. Allele origin: germline.

Mayo Clinic Laboratories, Mayo Clinic
Classification: Uncertain significance. Last evaluated: 2024-03-26. Review status: criteria provided, single submitter. Criteria: ACMG Guidelines, 2015. Collection method: clinical testing. Allele origin: germline. Observed: 1 variant allele.
Comment: PM2, PS4_moderate

Illumina Laboratory Services, Illumina
Classification: Uncertain significance for Atypical hemolytic-uremic syndrome with C3 anomaly. Last evaluated: 2018-01-13. Review status: criteria provided, single submitter. Criteria: ICSL Variant Classification Criteria 13 December 2019. Collection method: clinical testing. Allele origin: germline.

Illumina Laboratory Services, Illumina
Classification: Uncertain significance for Complement component 3 deficiency. Last evaluated: 2018-01-13. Review status: criteria provided, single submitter. Criteria: ICSL Variant Classification Criteria 13 December 2019. Collection method: clinical testing. Allele origin: germline.

Illumina Laboratory Services, Illumina
Classification: Uncertain significance for Age related macular degeneration 9. Last evaluated: 2018-01-13. Review status: criteria provided, single submitter. Criteria: ICSL Variant Classification Criteria 13 December 2019. Collection method: clinical testing. Allele origin: germline.

Literature cited by the submitters: PubMed 26283675 (cited by 3 submitters); PubMed 35373096 (cited by Genomenon, Inc and Mayo Clinic Laboratories, Mayo Clinic).